The following is an entry in ClinVar:

NM_000081.4(LYST):c.4688G>A (p.Arg1563His)

Gene: LYST (lysosomal trafficking regulator; minus strand). Cytogenetic location: 1q42.3.
Variant type: single nucleotide variant.
Coding change: c.4688G>A on transcript NM_000081.4 (MANE Select); coding-DNA position 4688, G replaced by A.
Protein change: p.Arg1563His; replaces arginine 1563 with histidine.
Molecular consequence: missense variant.
Genome position (GRCh38, 1-based): chr1:235,788,701, C>T on the plus strand (G>A on the coding strand, the complement: LYST is on the minus strand). VCF-style: chr1-235788701-C-T. GRCh37 (hg19) VCF-style: chr1-235952001-C-T.
Other names: c.4688G>A, p.Arg1563His (NM_001301365.1); short protein forms R1563H.
Identifiers: ClinVar variation 3816 (VCV000003816.7), dbSNP rs80338657, ClinGen allele CA116461.
Genomic context (GRCh38, chr1:235,788,701, plus strand): 5'-CTCTTACACAAATTATTTAAATACATTATCTATTCATGGGAGGCTGAGGATAATCAATAC[C>T]GAAAGATAAGAGTGGCATTGTGGGGATCAGCCCACACTTGGATCATCAACGCTTTGGATC-3'
Protein context (NP_000072.2, residues 1553-1573): ADPHNATLIF[Arg1563His]VCMDSNDDMK

ClinVar aggregate classification (germline): Uncertain significance. Review status: criteria provided, single submitter (1 of 4 stars). 3 submissions from 3 submitters: Uncertain significance (1). 2 of the submissions do not count toward it. Last evaluated 2022-04-20.

Conditions:
Chédiak-Higashi syndrome (CHS). Also called: Chediak-Higashi Syndrome. Identifiers: Orphanet 167, MedGen C0007965, MONDO:0008963, OMIM 214500.
CHEDIAK-HIGASHI SYNDROME, ADULT TYPE. Identifiers: MedGen C4016993.

Allele frequency attached by ClinVar (database versions not stated): gnomAD exomes below 0.00001.
gnomAD v4.1: 3 of 1,613,450 alleles (0.00019%); highest among the groups gnomAD compares: Non-Finnish European, 0.00017%; no homozygotes.

Submissions (3):

Labcorp Genetics (formerly Invitae), Labcorp
Classification: Uncertain significance for Chédiak-Higashi syndrome. Last evaluated: 2022-04-20. Review status: criteria provided, single submitter. Criteria: Invitae Variant Classification Sherloc (09022015). Collection method: clinical testing. Allele origin: germline.
Comment: This sequence change replaces arginine, which is basic and polar, with histidine, which is basic and polar, at codon 1563 of the LYST protein (p.Arg1563His). This variant also falls at the last nucleotide of exon 13, which is part of the consensus splice site for this exon. This variant is not present in population databases (gnomAD no frequency). This missense change has been observed in individual(s) with Chediak-Higashi syndrome (PMID: 22883044). ClinVar contains an entry for this variant (Variation ID: 3816). Algorithms developed to predict the effect of missense changes on protein structure and function (SIFT, PolyPhen-2, Align-GVGD) all suggest that this variant is likely to be tolerated. Variants that disrupt the consensus splice site are a relatively common cause of aberrant splicing (PMID: 17576681, 9536098). Algorithms developed to predict the effect of sequence changes on RNA splicing suggest that this variant may disrupt the consensus splice site. In summary, the available evidence is currently insufficient to determine the role of this variant in disease. Therefore, it has been classified as a Variant of Uncertain Significance.

OMIM
Classification: Pathogenic for CHEDIAK-HIGASHI SYNDROME, ADULT TYPE. Last evaluated: 2002-02-15. Review status: no assertion criteria provided. Collection method: literature only. Allele origin: germline. Not counted in ClinVar's aggregate classification.

GeneReviews
No classification provided. Condition: Chédiak-Higashi syndrome. Review status: no classification provided. Collection method: literature only. Allele origin: germline. Not counted in ClinVar's aggregate classification.

Literature cited by the submitters: PubMed 22883044 (cited by Labcorp Genetics (formerly Invitae), Labcorp); PubMed 17576681 (cited by Labcorp Genetics (formerly Invitae), Labcorp); PubMed 9536098 (cited by Labcorp Genetics (formerly Invitae), Labcorp); PubMed 11857544 (cited by OMIM).